The following is an entry in ClinVar:

NM_001957.4(EDNRA):c.256A>G (p.Ile86Val)

Gene: EDNRA (endothelin receptor type A; plus strand). Cytogenetic location: 4q31.22.
Variant type: single nucleotide variant.
Coding change: c.256A>G on transcript NM_001957.4 (MANE Select); coding-DNA position 256, A replaced by G.
Protein change: p.Ile86Val; replaces isoleucine 86 with valine.
Molecular consequence: missense variant. On other transcripts: non-coding transcript variant (1).
Genome position (GRCh38, 1-based): chr4:147,485,937, A>G. VCF-style: chr4-147485937-A-G. GRCh37 (hg19) VCF-style: chr4-148407089-A-G.
Other names: c.256A>G, p.Ile86Val (NM_001166055.2, NM_001354797.2); c.256A>G (NM_001957.3); short protein forms I86V.
Identifiers: ClinVar variation 1537732 (VCV001537732.10), dbSNP rs192190120, ClinGen allele CA3097844.
Genomic context (GRCh38, chr4:147,485,937, plus strand): 5'-CACAACTATTGCCCACAGCAGACTAAAATTACTTCAGCTTTCAAATACATTAACACTGTG[A>G]TATCTTGTACTATTTTCATCGTGGGAATGGTGGGGAATGCAACTCTGCTCAGGATCATTT-3'
Protein context (NP_001948.1, residues 76-96): TSAFKYINTV[Ile86Val]SCTIFIVGMV

ClinVar aggregate classification (germline): Benign. Review status: criteria provided, multiple submitters, no conflicts (2 of 4 stars). 2 submissions from 2 submitters: Benign (2). Last evaluated 2025-10-08.

Conditions:
EDNRA-related disorder. Also called: EDNRA-related condition.

Allele frequency attached by ClinVar (database versions not stated): ESP Exome Variant Server 0.00015; 1000 Genomes Project 30x 0.00047; 1000 Genomes Project 0.00060.

Submissions (3):

PreventionGenetics, part of Exact Sciences
Classification: Benign for EDNRA-related condition. Last evaluated: 2025-10-08. Review status: criteria provided, single submitter. Criteria: ACMG Guidelines, 2015. Collection method: clinical testing. Allele origin: germline.
Comment: This variant is classified as benign based on ACMG/AMP sequence variant interpretation guidelines (Richards et al. 2015 PMID: 25741868, with internal and published modifications).

Labcorp Genetics (formerly Invitae), Labcorp
Classification: Benign. Last evaluated: 2024-10-17. Review status: criteria provided, single submitter. Criteria: Invitae Variant Classification Sherloc (09022015). Collection method: clinical testing. Allele origin: germline.

Dr. Peter K. Rogan Lab, Western University
No classification provided (evidence only). Condition: Cervical cancer. Review status: no classification provided. Collection method: in vitro. Allele origin: not applicable. Functional consequence: retained intron. Not counted in ClinVar's aggregate classification.